The following is an entry in ClinVar:

NM_004415.4(DSP):c.2288A>G (p.Tyr763Cys)

Gene: DSP (desmoplakin; plus strand). Cytogenetic location: 6p24.3.
Variant type: single nucleotide variant.
Coding change: c.2288A>G on transcript NM_004415.4 (MANE Select); coding-DNA position 2288, A replaced by G.
Protein change: p.Tyr763Cys; replaces tyrosine 763 with cysteine.
Molecular consequence: missense variant.
Genome position (GRCh38, 1-based): chr6:7,574,243, A>G. VCF-style: chr6-7574243-A-G. GRCh37 (hg19) VCF-style: chr6-7574476-A-G.
Other names: c.2288A>G (LRG_423t1, NM_004415.3); c.2288A>G, p.Tyr763Cys (NM_001008844.3, NM_001319034.2); short protein forms Y763C.
Identifiers: ClinVar variation 451314 (VCV000451314.24), dbSNP rs113967308, ClinGen allele CA032403.

ClinVar aggregate classification (germline): Conflicting classifications of pathogenicity. Review status: criteria provided, conflicting classifications (1 of 4 stars). 6 submissions from 6 submitters: Uncertain significance (3); Likely benign (3). Last evaluated 2026-07-18.

Conditions:
Lethal acantholytic epidermolysis bullosa (EBLA). Identifiers: Orphanet 158687, MedGen C1864826, MONDO:0012323, OMIM 609638.
Keratosis palmoplantaris striata 2. Also called: KERATODERMA, PALMOPLANTAR, STRIATE FORM II; STRIATE PALMOPLANTAR KERATODERMA II; Keratosis palmoplantaris striata II. Identifiers: MedGen C1852127, MONDO:0013034, OMIM 612908.
Arrhythmogenic right ventricular dysplasia 8 (ARVD8). Also called: Arrhythmogenic Right Ventricular Dysplasia/Cardiomyopathy 8; ARRHYTHMOGENIC RIGHT VENTRICULAR DYSPLASIA, FAMILIAL, 8; ARRHYTHMOGENIC RIGHT VENTRICULAR CARDIOMYOPATHY 8. Identifiers: MedGen C1843896, MONDO:0011831, OMIM 607450.
Arrhythmogenic cardiomyopathy with wooly hair and keratoderma. Also called: Arrhythmogenic cardiomyopathy with woolly hair and keratoderma; PALMOPLANTAR KERATODERMA WITH LEFT VENTRICULAR CARDIOMYOPATHY AND WOOLLY HAIR; Carvajal syndrome; Dilated cardiomyopathy with woolly hair and keratoderma. Identifiers: Orphanet 65282, MedGen C1854063, MONDO:0011581, OMIM 605676.
Cardiomyopathy, dilated, with wooly hair, keratoderma, and tooth agenesis. Also called: Cardiomyopathy, dilated, with woolly hair, keratoderma, and tooth agenesis; Erythrokeratodermia-cardiomyopathy syndrome. Identifiers: Orphanet 476096, Orphanet 65282, MedGen C4014393, MONDO:0014355, OMIM 615821.
DSP-related disorder. Also called: DSP-related disorders; DSP-related condition.
Cardiovascular phenotype. Identifiers: MedGen CN230736.
Cardiomyopathy (CMYO). Also called: Cardiomyopathies. Identifiers: Orphanet 167848, MedGen C0878544, MONDO:0004994, HP:0001638. Inheritance: Various modes of inheritance.

Allele frequency attached by ClinVar (database versions not stated): gnomAD exomes 0.00003 and 0.00009; ExAC 0.00008; 1000 Genomes Project 30x 0.00016; 1000 Genomes Project 0.00020; ESP Exome Variant Server 0.00031; gnomAD 0.00031 and 0.00034; TOPMed 0.00036.
gnomAD v4.1: 92 of 1,613,686 alleles (0.0057%); highest among the groups gnomAD compares: African/African-American, 0.1%; no homozygotes.

Submissions (6):

GeneDx
Classification: Uncertain significance. Last evaluated: 2026-07-18. Review status: criteria provided, single submitter. Criteria: GeneDx Variant Classification Process June 2021. Collection method: clinical testing. Allele origin: germline.
Comment: Has not been previously published as pathogenic or benign to our knowledge; In silico analysis supports that this missense variant has a deleterious effect on protein structure/function

PreventionGenetics, part of Exact Sciences
Classification: Uncertain significance for DSP-related condition. Last evaluated: 2026-04-09. Review status: criteria provided, single submitter. Criteria: ACMG Guidelines, 2015. Collection method: clinical testing. Allele origin: germline.
Comment: The DSP c.2288A>G variant is predicted to result in the amino acid substitution p.Tyr763Cys. To our knowledge, this variant has not been reported in the literature. This variant is reported in 0.14% of alleles in individuals of African descent in gnomAD. Although we suspect that this variant may be benign, at this time, the clinical significance of this variant is uncertain due to the absence of conclusive functional and genetic evidence.

Labcorp Genetics (formerly Invitae), Labcorp
Classification: Likely benign for Arrhythmogenic cardiomyopathy with wooly hair and keratoderma; Arrhythmogenic right ventricular dysplasia 8. Last evaluated: 2026-01-26. Review status: criteria provided, single submitter. Criteria: Invitae Variant Classification Sherloc (09022015). Collection method: clinical testing. Allele origin: germline.

Ambry Genetics
Classification: Likely benign for Cardiovascular phenotype. Last evaluated: 2022-03-28. Review status: criteria provided, single submitter. Criteria: Ambry Variant Classification Scheme 2023. Collection method: clinical testing. Allele origin: germline.

Color Diagnostics, LLC DBA Color Health
Classification: Likely benign for Cardiomyopathy. Last evaluated: 2019-01-04. Review status: criteria provided, single submitter. Criteria: ACMG Guidelines, 2015. Collection method: clinical testing. Allele origin: germline.

Center for Genomics, Ann and Robert H. Lurie Children's Hospital of Chicago
Classification: Uncertain significance for Arrhythmogenic right ventricular dysplasia 8; Lethal acantholytic epidermolysis bullosa; Keratosis palmoplantaris striata 2; Cardiomyopathy, dilated, with wooly hair, keratoderma, and tooth agenesis; Arrhythmogenic cardiomyopathy with wooly hair and keratoderma. Review status: criteria provided, single submitter. Criteria: ACMG Guidelines, 2015. Collection method: clinical testing. Allele origin: germline.
Comment: DSP NM_004415.3 exon 16 p.Tyr763Cys (c.2288A>G): This variant has not been reported in the literature but is present in 0.1% (36/24832) of African alleles in the Genome Aggregation Database. This variant is present in ClinVar (Variation ID:415314). Evolutionary conservation and computational predictive tools suggest that this variant may impact the protein. In summary, data on this variant is insufficient for disease classification. Therefore, the clinical significance of this variant is uncertain.